The following is an entry in ClinVar:

ClinVar aggregate classification (germline): Uncertain significance (1 of 4 stars; one submission).

Allele frequency attached by ClinVar (database versions not stated): gnomAD exomes below 0.00001.

Submission:

Labcorp Genetics (formerly Invitae), Labcorp
Classification: Uncertain significance. Last evaluated: 2023-02-03. Review status: criteria provided, single submitter. Criteria: Invitae Variant Classification Sherloc (09022015). Collection method: clinical testing. Allele origin: germline.
Comment: This variant has not been reported in the literature in individuals affected with PCARE-related conditions. This variant is not present in population databases (gnomAD no frequency). This sequence change replaces proline, which is neutral and non-polar, with leucine, which is neutral and non-polar, at codon 455 of the PCARE protein (p.Pro455Leu). Algorithms developed to predict the effect of missense changes on protein structure and function output the following: SIFT: "Tolerated"; PolyPhen-2: "Benign"; Align-GVGD: "Class C0". The leucine amino acid residue is found in multiple mammalian species, which suggests that this missense change does not adversely affect protein function. In summary, the available evidence is currently insufficient to determine the role of this variant in disease. Therefore, it has been classified as a Variant of Uncertain Significance.

NM_001029883.3(PCARE):c.1364C>T (p.Pro455Leu)

Gene: PCARE (photoreceptor cilium actin regulator; minus strand). Cytogenetic location: 2p23.2.
Variant type: single nucleotide variant.
Coding change: c.1364C>T on transcript NM_001029883.3 (MANE Select); coding-DNA position 1364, C replaced by T.
Protein change: p.Pro455Leu; replaces proline 455 with leucine.
Molecular consequence: missense variant.
Genome position (GRCh38, 1-based): chr2:29,072,898, G>A on the plus strand (C>T on the coding strand, the complement: PCARE is on the minus strand). VCF-style: chr2-29072898-G-A. GRCh37 (hg19) VCF-style: chr2-29295764-G-A.
Other names: short protein forms P455L.
Identifiers: ClinVar variation 2830587 (VCV002830587.3), dbSNP rs2465277800, ClinGen allele CA346480345.